The following is an entry in ClinVar:

NM_175914.5(HNF4A):c.282G>A (p.Arg94=)

Gene: HNF4A (hepatocyte nuclear factor 4 alpha; plus strand). Cytogenetic location: 20q13.12.
Variant type: single nucleotide variant.
Coding change: c.282G>A on transcript NM_175914.5 (MANE Select); coding-DNA position 282, G replaced by A.
Protein change: p.Arg94=; no amino-acid change (arginine 94 retained).
Molecular consequence: synonymous variant.
Genome position (GRCh38, 1-based): chr20:44,407,438, G>A. VCF-style: chr20-44407438-G-A. GRCh37 (hg19) VCF-style: chr20-43036078-G-A.
Other names: c.348G>A, p.Arg116= (NM_000457.6, NM_178849.3, NM_178850.3); c.282G>A, p.Arg94= (NM_001030003.3, NM_001030004.3); c.327G>A, p.Arg109= (NM_001258355.2); c.273G>A, p.Arg91= (NM_001287182.2, NM_001287183.2, NM_001287184.2).
Identifiers: ClinVar variation 730174 (VCV000730174.4), dbSNP rs1463516865, ClinGen allele CA510582311.

ClinVar aggregate classification (germline): Likely benign. Review status: criteria provided, multiple submitters, no conflicts (2 of 4 stars). 2 submissions from 2 submitters: Likely benign (2). Last evaluated 2017-12-13.

Conditions:
Maturity-onset diabetes of the young (MODY). Also called: Maturity onset diabetes mellitus in young. Identifiers: Orphanet 552, MedGen C0342276, MONDO:0018911, HP:0004904.

Allele frequency attached by ClinVar (database versions not stated): gnomAD exomes 0.00003.
gnomAD v4.1: 46 of 1,609,438 alleles (0.0029%); highest among the groups gnomAD compares: Non-Finnish European, 0.0037%; no homozygotes.

Submissions (2):

Labcorp Genetics (formerly Invitae), Labcorp
Classification: Likely benign. Last evaluated: 2017-12-13. Review status: criteria provided, single submitter. Criteria: Invitae Variant Classification Sherloc (09022015). Collection method: clinical testing. Allele origin: germline.

Clinical Genomics, Uppaluri K&H Personalized Medicine Clinic
Classification: Likely benign for Maturity-onset diabetes of the young. Review status: criteria provided, single submitter. Criteria: K & H Uppaluri Personalized Medicine Clinic Variant Classification & Assertion Criteria_Updated V.1. Collection method: research. Allele origin: unknown. Inheritance: Autosomal dominant inheritance.
Comment: Potent mutations in HNF4A are associated with poor insulin secretion in response to hyperglycemia. Associated with MODY1. Patients initially respond well to sulfonylureas but eventually become insulin dependent. However, more evidence is required to ascertain the role of this particular variant rs1463516865 in MODY, yet.

Literature cited by the submitters: DOI 10.1159/000334532 (cited by Clinical Genomics, Uppaluri K&H Personalized Medicine Clinic); PubMed 18268044 (cited by Clinical Genomics, Uppaluri K&H Personalized Medicine Clinic); PubMed 17563455 (cited by Clinical Genomics, Uppaluri K&H Personalized Medicine Clinic); PubMed 32583173 (cited by Clinical Genomics, Uppaluri K&H Personalized Medicine Clinic); PubMed 35052457 (cited by Clinical Genomics, Uppaluri K&H Personalized Medicine Clinic); PubMed 35118593 (cited by Clinical Genomics, Uppaluri K&H Personalized Medicine Clinic).